The following is an entry in ClinVar:

NM_017763.6(RNF43):c.1974G>A (p.Gly658=)

Gene: RNF43 (ring finger protein 43; minus strand). Cytogenetic location: 17q22.
Variant type: single nucleotide variant.
Coding change: c.1974G>A on transcript NM_017763.6 (MANE Select); coding-DNA position 1974, G replaced by A.
Protein change: p.Gly658=; no amino-acid change (glycine 658 retained).
Molecular consequence: synonymous variant.
Genome position (GRCh38, 1-based): chr17:58,357,802, C>T on the plus strand (G>A on the coding strand, the complement: RNF43 is on the minus strand). VCF-style: chr17-58357802-C-T. GRCh37 (hg19) VCF-style: chr17-56435163-C-T.
Other names: c.1974G>A, p.Gly658= (NM_001305544.3, NM_001438820.1, NM_001438821.1 and 1 more transcripts); c.1593G>A, p.Gly531= (NM_001305545.2, NM_001437987.1).
Identifiers: ClinVar variation 5042412 (VCV005042412.1).
Genomic context (GRCh38, chr17:58,357,802, plus strand): 5'-GCAAGCTGGGTGCACAGTTGCATCCTGGGGCCGAGAGCCAGGGGTGGGCTCGGAGGGACC[C>T]CCCCGCCTTTTCCTCTGTGGGTGTCGGGCAGAGAGGCTGGATTTTTGCAAGTTGAACAGA-3'
Protein context (NP_060233.3, residues 648-668): SARHPQRKRR[Gly658=]GPSEPTPGSR

ClinVar aggregate classification (germline): Benign (1 of 4 stars; one submission).

Conditions:
Sessile serrated polyposis cancer syndrome (SSPCS). Identifiers: Orphanet 157798, MedGen C4310714, MONDO:0014919, OMIM 617108.

gnomAD v4.1: 2 of 1,614,126 alleles (0.00012%); highest among the groups gnomAD compares: Non-Finnish European, 0.00017%; no homozygotes.

Submission:

Myriad Genetics, Inc.
Classification: Benign for Sessile serrated polyposis cancer syndrome. Last evaluated: 2026-07-02. Review status: criteria provided, single submitter. Criteria: Myriad Autosomal Dominant, Autosomal Recessive and X-Linked Classification Criteria (2023). Collection method: clinical testing. Allele origin: unknown.
Comment: This variant is considered benign. This variant is a silent/synonymous amino acid change and it is not expected to impact splicing.